The following is an entry in ClinVar:

ClinVar aggregate classification (germline): Uncertain significance (1 of 4 stars; one submission).

Submission:

Labcorp Genetics (formerly Invitae), Labcorp
Classification: Uncertain significance. Last evaluated: 2019-08-20. Review status: criteria provided, single submitter. Criteria: Invitae Variant Classification Sherloc (09022015). Collection method: clinical testing. Allele origin: germline.
Comment: In summary, the available evidence is currently insufficient to determine the role of this variant in disease. Therefore, it has been classified as a Variant of Uncertain Significance. Algorithms developed to predict the effect of missense changes on protein structure and function are either unavailable or do not agree on the potential impact of this missense change (SIFT: "Deleterious"; PolyPhen-2: "Benign"; Align-GVGD: "Class C0"). This variant has not been reported in the literature in individuals with MSH3-related conditions. This variant is not present in population databases (ExAC no frequency). This sequence change replaces valine with alanine at codon 891 of the MSH3 protein (p.Val891Ala). The valine residue is moderately conserved and there is a small physicochemical difference between valine and alanine.

NM_002439.5(MSH3):c.2672T>C (p.Val891Ala)

Gene: MSH3 (mutS homolog 3; plus strand). Cytogenetic location: 5q14.1.
Variant type: single nucleotide variant.
Coding change: c.2672T>C on transcript NM_002439.5 (MANE Select); coding-DNA position 2672, T replaced by C.
Protein change: p.Val891Ala; replaces valine 891 with alanine.
Molecular consequence: missense variant.
Genome position (GRCh38, 1-based): chr5:80,813,600, T>C. VCF-style: chr5-80813600-T-C. GRCh37 (hg19) VCF-style: chr5-80109419-T-C.
Other names: short protein forms V891A.
Identifiers: ClinVar variation 939794 (VCV000939794.9), dbSNP rs772476641, ClinGen allele CA360273837.